The following is an entry in ClinVar:

NM_031935.3(HMCN1):c.9020T>A (p.Leu3007Gln)

Gene: HMCN1 (hemicentin 1; plus strand). Cytogenetic location: 1q31.1.
Variant type: single nucleotide variant.
Coding change: c.9020T>A on transcript NM_031935.3 (MANE Select); coding-DNA position 9020, T replaced by A.
Protein change: p.Leu3007Gln; replaces leucine 3007 with glutamine.
Molecular consequence: missense variant.
Genome position (GRCh38, 1-based): chr1:186,086,381, T>A. VCF-style: chr1-186086381-T-A. GRCh37 (hg19) VCF-style: chr1-186055513-T-A.
Other names: short protein forms L3007Q.
Identifiers: ClinVar variation 2731809 (VCV002731809.3), dbSNP rs1430365051, ClinGen allele CA343917834.
Genomic context (GRCh38, chr1:186,086,381, plus strand): 5'-AGGTCTCTGGTTTTCCACCTCCTGACCTCAGCTGGCTCAAGAATGAACAGCCCATCAAAC[T>A]GAACACAAATACTCTCATTGTGCCTGGTAAGGAACTTCTTATTATAAAGCAGGCAAAATT-3'
Protein context (NP_114141.2, residues 2997-3017): SWLKNEQPIK[Leu3007Gln]NTNTLIVPGG

ClinVar aggregate classification (germline): Uncertain significance (1 of 4 stars; one submission).

gnomAD v4.1: 1 of 1,613,244 alleles (0.000062%); no homozygotes.

Submission:

Labcorp Genetics (formerly Invitae), Labcorp
Classification: Uncertain significance. Last evaluated: 2025-06-23. Review status: criteria provided, single submitter. Criteria: Invitae Variant Classification Sherloc (09022015). Collection method: clinical testing. Allele origin: germline.
Comment: This sequence change replaces leucine, which is neutral and non-polar, with glutamine, which is neutral and polar, at codon 3007 of the HMCN1 protein (p.Leu3007Gln). This variant is not present in population databases (gnomAD no frequency). This variant has not been reported in the literature in individuals affected with HMCN1-related conditions. ClinVar contains an entry for this variant (Variation ID: 2731809). An algorithm developed to predict the effect of missense changes on protein structure and function (PolyPhen-2) suggests that this variant is likely to be disruptive. In summary, the available evidence is currently insufficient to determine the role of this variant in disease. Therefore, it has been classified as a Variant of Uncertain Significance.